The following is an entry in ClinVar:

NM_001023.4(RPS20):c.99A>G (p.Glu33=)

Gene: RPS20 (ribosomal protein S20; minus strand). Cytogenetic location: 8q12.1.
Variant type: single nucleotide variant.
Coding change: c.99A>G on transcript NM_001023.4 (MANE Select); coding-DNA position 99, A replaced by G.
Protein change: p.Glu33=; no amino-acid change (glutamic acid 33 retained).
Molecular consequence: synonymous variant.
Genome position (GRCh38, 1-based): chr8:56,074,064, T>C on the plus strand (A>G on the coding strand, the complement: RPS20 is on the minus strand). VCF-style: chr8-56074064-T-C. GRCh37 (hg19) VCF-style: chr8-56986623-T-C.
Other names: c.99A>G, p.Glu33= (NM_001146227.3).
Identifiers: ClinVar variation 1768872 (VCV001768872.3), dbSNP rs2486985222, ClinGen allele CA461101582.

ClinVar aggregate classification (germline): Benign/Likely benign. Review status: criteria provided, multiple submitters, no conflicts (2 of 4 stars). 2 submissions from 2 submitters: Benign (1); Likely benign (1). Last evaluated 2026-08-03.

Conditions:
Familial colorectal cancer type X. Identifiers: Orphanet 440437, MedGen C3896578, MONDO:0018604.

Allele frequency attached by ClinVar (database versions not stated): gnomAD exomes below 0.00001.
gnomAD v4.1: 2 of 1,613,272 alleles (0.00012%); highest among the groups gnomAD compares: Non-Finnish European, 0.00017%; no homozygotes.

Submissions (2):

Myriad Genetics, Inc.
Classification: Benign for Familial colorectal cancer type X. Last evaluated: 2026-08-03. Review status: criteria provided, single submitter. Criteria: Myriad Autosomal Dominant, Autosomal Recessive and X-Linked Classification Criteria (2023). Collection method: clinical testing. Allele origin: unknown.
Comment: This variant is considered benign. This variant is a silent/synonymous amino acid change and it is not expected to impact splicing.

Ambry Genetics
Classification: Likely benign. Last evaluated: 2020-06-17. Review status: criteria provided, single submitter. Criteria: Ambry Variant Classification Scheme 2023. Collection method: clinical testing. Allele origin: germline.